The following is an entry in ClinVar:

NM_015378.4(VPS13D):c.4156G>A (p.Val1386Ile)

Gene: VPS13D (vacuolar protein sorting 13 homolog D; plus strand). Cytogenetic location: 1p36.22.
Variant type: single nucleotide variant.
Coding change: c.4156G>A on transcript NM_015378.4 (MANE Select); coding-DNA position 4156, G replaced by A.
Protein change: p.Val1386Ile; replaces valine 1386 with isoleucine.
Molecular consequence: missense variant.
Genome position (GRCh38, 1-based): chr1:12,277,744, G>A. VCF-style: chr1-12277744-G-A. GRCh37 (hg19) VCF-style: chr1-12337801-G-A.
Other names: c.4156G>A, p.Val1386Ile (NM_018156.4); short protein forms V1386I.
Identifiers: ClinVar variation 3361583 (VCV003361583.1).

ClinVar aggregate classification (germline): Uncertain significance (1 of 4 stars; one submission).

gnomAD v4.1: 18 of 1,614,110 alleles (0.0011%); highest among the groups gnomAD compares: Non-Finnish European, 0.0015%; no homozygotes.

Submission:

GeneDx
Classification: Uncertain significance. Last evaluated: 2023-07-27. Review status: criteria provided, single submitter. Criteria: GeneDx Variant Classification Process June 2021. Collection method: clinical testing. Allele origin: germline. Affected: yes.
Comment: Not observed at significant frequency in large population cohorts (gnomAD); In silico analysis supports that this missense variant has a deleterious effect on protein structure/function; Has not been previously published as pathogenic or benign to our knowledge